The following is an entry in ClinVar:

ClinVar aggregate classification (germline): Conflicting classifications of pathogenicity. Review status: criteria provided, conflicting classifications (1 of 4 stars). 4 submissions from 4 submitters: Uncertain significance (3); Likely benign (1). Last evaluated 2025-11-03.

Conditions:
Hereditary cancer-predisposing syndrome. Also called: Neoplastic Syndromes, Hereditary; Tumor predisposition; Hereditary Cancer Syndrome; Hereditary neoplastic syndrome. Identifiers: Orphanet 140162, MedGen C0027672, MeSH D009386, MONDO:0015356.
Hereditary breast ovarian cancer syndrome. Also called: Hereditary breast and ovarian cancer syndrome; Hereditary breast and ovarian cancer; Hereditary breast and ovarian cancer syndrome (HBOC); Breast and ovarian cancer; Hereditary breast and/or ovarian cancer syndrome; BRCA1- and BRCA2-Associated Hereditary Breast and Ovarian Cancer. Identifiers: Orphanet 145, MedGen C0677776, MeSH D061325, MONDO:0003582. Disease mechanism: loss of function.
BRCA2-related cancer predisposition. Identifiers: MedGen CN377758, MONDO:0700269.
Familial cancer of breast. Also called: BREAST CANCER, FAMILIAL; Hereditary breast cancer; hereditary breast carcinoma. Identifiers: Orphanet 227535, MedGen C0346153, MONDO:0016419, OMIM 114480. Disease mechanism: loss of function.

Submissions (4):

Labcorp Genetics (formerly Invitae), Labcorp
Classification: Uncertain significance for Hereditary breast ovarian cancer syndrome. Last evaluated: 2025-11-03. Review status: criteria provided, single submitter. Criteria: Invitae Variant Classification Sherloc (09022015). Collection method: clinical testing. Allele origin: germline.
Comment: This sequence change replaces glutamine, which is neutral and polar, with proline, which is neutral and non-polar, at codon 3126 of the BRCA2 protein (p.Gln3126Pro). This variant is not present in population databases (gnomAD no frequency). This variant has not been reported in the literature in individuals affected with BRCA2-related conditions. ClinVar contains an entry for this variant (Variation ID: 483051). Invitae Evidence Modeling incorporating data from in vitro experimental studies (PMID: 33609447) indicates that this missense variant is not expected to disrupt BRCA2 function with a negative predictive value of 95%. In summary, the available evidence is currently insufficient to determine the role of this variant in disease. Therefore, it has been classified as a Variant of Uncertain Significance.

All of Us Research Program, National Institutes of Health
Classification: Uncertain significance for BRCA2-related cancer predisposition. Last evaluated: 2024-03-05. Review status: criteria provided, single submitter. Criteria: ACMG Guidelines, 2015. Collection method: clinical testing. Allele origin: germline. Inheritance: Autosomal dominant inheritance. Observed: 1 variant allele, 1 heterozygote.
Comment: This study involves interpretation of variants in research participants for the purpose of population health screening. Participant phenotype was not available at the time of variant classification. Additional details can be found in publication PMID: 35346344, PMCID: PMC8962531

Baylor Genetics
Classification: Uncertain significance for Familial cancer of breast. Last evaluated: 2023-08-06. Review status: criteria provided, single submitter. Criteria: ACMG Guidelines, 2015. Collection method: clinical testing. Allele origin: unknown.

Ambry Genetics
Classification: Likely benign for Hereditary cancer-predisposing syndrome. Last evaluated: 2020-03-04. Review status: criteria provided, single submitter. Criteria: Ambry Variant Classification Scheme 2023. Collection method: clinical testing. Allele origin: germline.

Literature cited by the submitters: PubMed 33609447 (cited by Labcorp Genetics (formerly Invitae), Labcorp).

NM_000059.4(BRCA2):c.9377A>C (p.Gln3126Pro)

Gene: BRCA2 (BRCA2 DNA repair associated; plus strand). Cytogenetic location: 13q13.1.
Variant type: single nucleotide variant.
Coding change: c.9377A>C on transcript NM_000059.4 (MANE Select); coding-DNA position 9377, A replaced by C.
Protein change: p.Gln3126Pro; replaces glutamine 3126 with proline.
Molecular consequence: missense variant.
Genome position (GRCh38, 1-based): chr13:32,394,809, A>C. VCF-style: chr13-32394809-A-C. GRCh37 (hg19) VCF-style: chr13-32968946-A-C.
Other names: short protein forms Q3126P.
Identifiers: ClinVar variation 483051 (VCV000483051.16), dbSNP rs397507426, ClinGen allele CA387761238.